The following is an entry in ClinVar:

NM_016103.4(SAR1B):c.593A>C (p.Asp198Ala)

Gene: SAR1B (secretion associated Ras related GTPase 1B; minus strand). Cytogenetic location: 5q31.1.
Variant type: single nucleotide variant.
Coding change: c.593A>C on transcript NM_016103.4 (MANE Select); coding-DNA position 593, A replaced by C.
Protein change: p.Asp198Ala; replaces aspartic acid 198 with alanine.
Molecular consequence: missense variant.
Genome position (GRCh38, 1-based): chr5:134,606,954, T>G on the plus strand (A>C on the coding strand, the complement: SAR1B is on the minus strand). VCF-style: chr5-134606954-T-G. GRCh37 (hg19) VCF-style: chr5-133942644-T-G.
Other names: c.593A>C, p.Asp198Ala (NM_001033503.3); short protein forms D198A.
Identifiers: ClinVar variation 1935024 (VCV001935024.5), dbSNP rs960875347, ClinGen allele CA127966619.

ClinVar aggregate classification (germline): Uncertain significance (1 of 4 stars; one submission).

Allele frequency attached by ClinVar (database versions not stated): gnomAD 0.00001; TOPMed 0.00001.
gnomAD v4.1: 1 of 1,605,124 alleles (0.000062%); highest among the groups gnomAD compares: African/African-American, 0.0013%; no homozygotes.

Submission:

Labcorp Genetics (formerly Invitae), Labcorp
Classification: Uncertain significance. Last evaluated: 2025-04-07. Review status: criteria provided, single submitter. Criteria: Invitae Variant Classification Sherloc (09022015). Collection method: clinical testing. Allele origin: germline.
Comment: This sequence change replaces aspartic acid, which is acidic and polar, with alanine, which is neutral and non-polar, at codon 198 of the SAR1B protein (p.Asp198Ala). This variant is present in population databases (no rsID available, gnomAD 0.01%). This variant has not been reported in the literature in individuals affected with SAR1B-related conditions. ClinVar contains an entry for this variant (Variation ID: 1935024). An algorithm developed to predict the effect of missense changes on protein structure and function (PolyPhen-2) suggests that this variant is likely to be tolerated. In summary, the available evidence is currently insufficient to determine the role of this variant in disease. Therefore, it has been classified as a Variant of Uncertain Significance.